The following is an entry in ClinVar:

NM_000517.6(HBA2):c.346G>A (p.Ala116Thr)

Genes: HBA2 (hemoglobin subunit alpha 2; plus strand), LOC106804612 (hemoglobin subunit alpha 2 recombination region; plus strand). Cytogenetic location: 16p13.3.
Variant type: single nucleotide variant.
Coding change: c.346G>A on transcript NM_000517.6 (MANE Select); coding-DNA position 346, G replaced by A.
Protein change: p.Ala116Thr; replaces alanine 116 with threonine.
Molecular consequence: missense variant.
Genome position (GRCh38, 1-based): chr16:173,517, G>A. VCF-style: chr16-173517-G-A. GRCh37 (hg19) VCF-style: chr16-223516-G-A.
Other names: short protein forms A116T.
Identifiers: ClinVar variation 3766729 (VCV003766729.1).

ClinVar aggregate classification (germline): Uncertain significance (1 of 4 stars; one submission).

gnomAD v4.1: 2 of 1,606,572 alleles (0.00012%); highest among the groups gnomAD compares: Non-Finnish European, 0.00017%; no homozygotes.

Submission:

ARUP Laboratories, Molecular Genetics and Genomics, ARUP Laboratories
Classification: Uncertain significance. Last evaluated: 2024-07-15. Review status: criteria provided, single submitter. Criteria: ARUP Molecular Germline Variant Investigation Process 2024. Collection method: clinical testing. Allele origin: germline.
Comment: The HBA2 c.346G>A; p.Ala116Thr variant (also known as Ala115Thr when numbered from the mature protein, rs1396354516) to our knowledge, is not reported in the medical literature or gene specific databases. This variant is also absent from the Genome Aggregation Database (v2.1.1), indicating it is not a common polymorphism. Computational analyses are uncertain whether this variant is neutral or deleterious (REVEL: 0.612). Due to limited information, the clinical significance of this variant is uncertain at this time.